The following is an entry in ClinVar:

NM_003672.4(CDC14A):c.49+10A>T

Gene: CDC14A (cell division cycle 14A; plus strand). Cytogenetic location: 1p21.2.
Variant type: single nucleotide variant.
Coding change: c.49+10A>T on transcript NM_003672.4 (MANE Select); 10 bases into the intron after coding-DNA position 49, A replaced by T.
Molecular consequence: intron variant.
Genome position (GRCh38, 1-based): chr1:100,353,013, A>T. VCF-style: chr1-100353013-A-T. GRCh37 (hg19) VCF-style: chr1-100818569-A-T.
Other names: c.-125-749A>T (NM_001319211.2); c.49+10A>T (NM_001319210.2, NM_033312.3, NM_033313.3); c.-743+10A>T (NM_001319212.2).
Identifiers: ClinVar variation 3052165 (VCV003052165.2), dbSNP rs757539865, ClinGen allele CA970405.
Genomic context (GRCh38, chr1:100,353,013, plus strand): 5'-AGATGGCAGCGGAGTCAGGGGAACTAATCGGGGCTTGTGAGTTCATGAAAGGTGAGGAGC[A>T]GCCGCCCCGCATCTTCCAACGCTTTCTTGCCCCCAACTCTTCACTTCCCGCGCCACTGTC-3'

ClinVar aggregate classification (germline): Likely benign (0 of 4 stars; one submission).

Conditions:
CDC14A-related disorder. Also called: CDC14A-related condition.

Allele frequency attached by ClinVar (database versions not stated): TOPMed below 0.00001; gnomAD exomes 0.00001; ExAC 0.00002.
gnomAD v4.1: 6 of 1,613,948 alleles (0.00037%); highest among the groups gnomAD compares: Admixed American, 0.01%; no homozygotes.

Submission:

PreventionGenetics, part of Exact Sciences
Classification: Likely benign for CDC14A-related condition. Last evaluated: 2020-01-10. Review status: no assertion criteria provided. Collection method: clinical testing. Allele origin: germline.
Comment: This variant is classified as likely benign based on ACMG/AMP sequence variant interpretation guidelines (Richards et al. 2015 PMID: 25741868, with internal and published modifications).